The following is an entry in ClinVar:

ClinVar aggregate classification (germline): Uncertain significance. Review status: criteria provided, multiple submitters, no conflicts (2 of 4 stars). 2 submissions from 2 submitters: Uncertain significance (2). Last evaluated 2025-03-11.

Submissions (2):

GeneDx
Classification: Uncertain significance. Last evaluated: 2025-03-11. Review status: criteria provided, single submitter. Criteria: GeneDx Variant Classification Process June 2021. Collection method: clinical testing. Allele origin: germline. Affected: yes.
Comment: De novo variant with confirmed parentage in patients referred for genetic testing at GeneDx; however, the reported clinical features are only partially consistent with the features typically observed in individuals with pathogenic variants in this gene; Reported in an infant with congenital anomalies who underwent whole genome sequencing while hospitalized (PMID: 34930662); Not observed at significant frequency in large population cohorts (gnomAD); In silico analysis supports that this missense variant has a deleterious effect on protein structure/function; This variant is associated with the following publications: (PMID: 39698059, 34930662)

HudsonAlpha Institute for Biotechnology
Classification: Uncertain significance. Last evaluated: 2019-09-26. Review status: criteria provided, single submitter. Criteria: ACMG Guidelines, 2015. Collection method: research. Allele origin: unknown. Observed: 1 variant allele. Study: CSER-SouthSeq.
Comment: ACMG codes: PMS2, PP3

NM_001664.4(RHOA):c.181G>A (p.Ala61Thr)

Gene: RHOA (ras homolog family member A; minus strand). Cytogenetic location: 3p21.31.
Variant type: single nucleotide variant.
Coding change: c.181G>A on transcript NM_001664.4 (MANE Select); coding-DNA position 181, G replaced by A.
Protein change: p.Ala61Thr; replaces alanine 61 with threonine.
Molecular consequence: missense variant. On other transcripts: 5 prime UTR variant (1), intron variant (3).
Genome position (GRCh38, 1-based): chr3:49,368,524, C>T on the plus strand (G>A on the coding strand, the complement: RHOA is on the minus strand). VCF-style: chr3-49368524-C-T. GRCh37 (hg19) VCF-style: chr3-49405957-C-T.
Other names: c.181G>A, p.Ala61Thr (NM_001313941.2, NM_001313943.2); c.-63G>A (NM_001313945.2); c.130-9G>A (NM_001313944.2); c.156+6910G>A (NM_001313946.2); c.157-5898G>A (NM_001313947.2); c.181G>A (NM_001664.3); short protein forms A61T.
Identifiers: ClinVar variation 829804 (VCV000829804.4), dbSNP rs1575647051, ClinGen allele CA352786855.